The following is an entry in ClinVar:

ClinVar aggregate classification (germline): Uncertain significance (1 of 4 stars; one submission).

Conditions:
Joubert syndrome 20 (JBTS20). Identifiers: Orphanet 475, MedGen C3554235, MONDO:0013994, OMIM 614970.
Meckel syndrome, type 11 (MKS11). Identifiers: Orphanet 564, MedGen C3809352, MONDO:0014164, OMIM 615397.

Allele frequency attached by ClinVar (database versions not stated): gnomAD exomes below 0.00001; gnomAD 0.00001.
gnomAD v4.1: 7 of 1,603,290 alleles (0.00044%); highest among the groups gnomAD compares: South Asian, 0.0056%; no homozygotes.

Submission:

Labcorp Genetics (formerly Invitae), Labcorp
Classification: Uncertain significance for Joubert syndrome 20; Meckel syndrome, type 11. Last evaluated: 2025-01-13. Review status: criteria provided, single submitter. Criteria: Invitae Variant Classification Sherloc (09022015). Collection method: clinical testing. Allele origin: germline.
Comment: This sequence change replaces valine, which is neutral and non-polar, with leucine, which is neutral and non-polar, at codon 120 of the TMEM231 protein (p.Val120Leu). This variant is not present in population databases (gnomAD no frequency). This variant has not been reported in the literature in individuals affected with TMEM231-related conditions. ClinVar contains an entry for this variant (Variation ID: 2040501). Experimental studies and prediction algorithms are not available or were not evaluated, and the functional significance of this variant is currently unknown. In summary, the available evidence is currently insufficient to determine the role of this variant in disease. Therefore, it has been classified as a Variant of Uncertain Significance.

NM_001077418.3(TMEM231):c.199G>C (p.Val67Leu)

Gene: TMEM231 (transmembrane protein 231; minus strand). Cytogenetic location: 16q23.1.
Variant type: single nucleotide variant.
Coding change: c.199G>C on transcript NM_001077418.3 (MANE Select); coding-DNA position 199, G replaced by C.
Protein change: p.Val67Leu; replaces valine 67 with leucine.
Molecular consequence: missense variant. On other transcripts: non-coding transcript variant (1).
Genome position (GRCh38, 1-based): chr16:75,555,914, C>G on the plus strand (G>C on the coding strand, the complement: TMEM231 is on the minus strand). VCF-style: chr16-75555914-C-G. GRCh37 (hg19) VCF-style: chr16-75589812-C-G.
Other names: c.358G>C, p.Val120Leu (NM_001077416.2); short protein forms V120L, V67L.
Identifiers: ClinVar variation 2040501 (VCV002040501.3), dbSNP rs961777015, ClinGen allele CA396809246.